The following is an entry in ClinVar:

ClinVar aggregate classification (germline): Uncertain significance (1 of 4 stars; one submission).

Conditions:
Mitochondrial complex I deficiency, nuclear type 1. Also called: NADH-COENZYME Q REDUCTASE DEFICIENCY; MITOCHONDRIAL NADH DEHYDROGENASE COMPONENT OF COMPLEX I, DEFICIENCY OF. Identifiers: MedGen C6022305, MONDO:0100224, OMIM 252010.

Allele frequency attached by ClinVar (database versions not stated): gnomAD 0.00001.
gnomAD v4.1: 5 of 1,613,718 alleles (0.00031%); highest among the groups gnomAD compares: East Asian, 0.0067%; no homozygotes.

Submission:

Baylor Genetics
Classification: Uncertain significance for Mitochondrial complex I deficiency, nuclear type 1. Last evaluated: 2018-04-17. Review status: criteria provided, single submitter. Criteria: ACMG Guidelines, 2015. Collection method: clinical testing. Allele origin: unknown. Affected: yes.
Comment: This variant was determined to be of uncertain significance according to ACMG Guidelines, 2015 [PMID:25741868].

NM_016589.4(TIMMDC1):c.175C>T (p.Arg59Trp)

Gene: TIMMDC1 (translocase of inner mitochondrial membrane domain containing 1; plus strand). Cytogenetic location: 3q13.33.
Variant type: single nucleotide variant.
Coding change: c.175C>T on transcript NM_016589.4 (MANE Select); coding-DNA position 175, C replaced by T.
Protein change: p.Arg59Trp; replaces arginine 59 with tryptophan.
Molecular consequence: missense variant.
Genome position (GRCh38, 1-based): chr3:119,498,908, C>T. VCF-style: chr3-119498908-C-T. GRCh37 (hg19) VCF-style: chr3-119217755-C-T.
Other names: short protein forms R59W.
Identifiers: ClinVar variation 1033829 (VCV001033829.1), dbSNP rs774619141, ClinGen allele CA354053766.